The following is an entry in ClinVar:

ClinVar aggregate classification (germline): Uncertain significance (1 of 4 stars; one submission).

Submission:

Labcorp Genetics (formerly Invitae), Labcorp
Classification: Uncertain significance. Last evaluated: 2025-05-18. Review status: criteria provided, single submitter. Criteria: Invitae Variant Classification Sherloc (09022015). Collection method: clinical testing. Allele origin: germline.
Comment: This sequence change replaces glutamic acid, which is acidic and polar, with alanine, which is neutral and non-polar, at codon 1881 of the POLE protein (p.Glu1881Ala). This variant is not present in population databases (gnomAD no frequency). This variant has not been reported in the literature in individuals affected with POLE-related conditions. ClinVar contains an entry for this variant (Variation ID: 3667180). Invitae Evidence Modeling of protein sequence and biophysical properties (such as structural, functional, and spatial information, amino acid conservation, physicochemical variation, residue mobility, and thermodynamic stability) indicates that this missense variant is not expected to disrupt POLE protein function with a negative predictive value of 80%. In summary, the available evidence is currently insufficient to determine the role of this variant in disease. Therefore, it has been classified as a Variant of Uncertain Significance.

NM_006231.4(POLE):c.5642A>C (p.Glu1881Ala)

Gene: POLE (DNA polymerase epsilon, catalytic subunit; minus strand). Cytogenetic location: 12q24.33.
Variant type: single nucleotide variant.
Coding change: c.5642A>C on transcript NM_006231.4 (MANE Select); coding-DNA position 5642, A replaced by C.
Protein change: p.Glu1881Ala; replaces glutamic acid 1881 with alanine.
Molecular consequence: missense variant.
Genome position (GRCh38, 1-based): chr12:132,638,050, T>G on the plus strand (A>C on the coding strand, the complement: POLE is on the minus strand). VCF-style: chr12-132638050-T-G. GRCh37 (hg19) VCF-style: chr12-133214636-T-G.
Other names: short protein forms E1881A.
Identifiers: ClinVar variation 3667180 (VCV003667180.2).